The following is an entry in ClinVar:

NM_004168.4(SDHA):c.973del (p.Arg325fs)

Gene: SDHA (succinate dehydrogenase complex flavoprotein subunit A; plus strand). Cytogenetic location: 5p15.33.
Variant type: Deletion.
Coding change: c.973del on transcript NM_004168.4 (MANE Select); coding-DNA position 973, one base deleted (A; older notation c.973delA).
Protein change: p.Arg325fs; shifts the reading frame from arginine 325.
Molecular consequence: frameshift variant.
Genome position (GRCh38, 1-based): chr5:233,554, A deleted; the last of 3 consecutive A bases (chr5:233,552-233,554); deleting any one gives the same sequence. VCF-style (leftmost placement, unchanged base first): chr5-233551-GA-G. GRCh37 (hg19) VCF-style: chr5-233666-GA-G.
Other names: c.829del, p.Arg277fs (NM_001294332.2); c.973del, p.Arg325fs (NM_001330758.2); short protein forms R277fs, R325fs.
Identifiers: ClinVar variation 5006885 (VCV005006885.2).

ClinVar aggregate classification (germline): Likely pathogenic (1 of 4 stars; one submission).

Conditions:
Pheochromocytoma/paraganglioma syndrome 5. Also called: Paragangliomas 5; SDHA-Related Hereditary Paraganglioma-Pheochromocytoma Syndrome. Identifiers: Orphanet 29072, MedGen C3279992, MONDO:0013602, OMIM 614165.

Submission:

Juno Genomics, Hangzhou Juno Genomics, Inc
Classification: Likely pathogenic for Pheochromocytoma/paraganglioma syndrome 5. Review status: criteria provided, single submitter. Criteria: ACMG Guidelines, 2015. Collection method: clinical testing. Allele origin: germline.
Comment: Null variant in a gene where loss of function (LOF) is a known mechanism of disease.;Absent from controls (or at extremely low frequency if recessive) in Genome Aggregation Database.